The following is an entry in ClinVar:

NM_001378457.1(DMXL2):c.3697C>G (p.Leu1233Val)

Gene: DMXL2 (Dmx like 2; minus strand). Cytogenetic location: 15q21.2.
Variant type: single nucleotide variant.
Coding change: c.3697C>G on transcript NM_001378457.1 (MANE Select); coding-DNA position 3697, C replaced by G.
Protein change: p.Leu1233Val; replaces leucine 1233 with valine.
Molecular consequence: missense variant. On other transcripts: non-coding transcript variant (2), intron variant (2).
Genome position (GRCh38, 1-based): chr15:51,499,527, G>C on the plus strand (C>G on the coding strand, the complement: DMXL2 is on the minus strand). VCF-style: chr15-51499527-G-C. GRCh37 (hg19) VCF-style: chr15-51791724-G-C.
Other names: c.3697C>G, p.Leu1233Val (NM_001174116.3, NM_001378458.1, NM_001378459.1 and 4 more transcripts); c.3457C>G, p.Leu1153Val (NM_001378464.1); c.2764+7607C>G (NM_001378460.1); c.2765-4393C>G (NM_001174117.3); short protein forms L1153V, L1233V.
Identifiers: ClinVar variation 4525751 (VCV004525751.1).

ClinVar aggregate classification (germline): Uncertain significance (1 of 4 stars; one submission).

Submission:

Women's Health and Genetics/Laboratory Corporation of America, LabCorp
Classification: Uncertain significance. Last evaluated: 2025-07-30. Review status: criteria provided, single submitter. Criteria: LabCorp Variant Classification Summary - May 2015. Collection method: clinical testing. Allele origin: germline.
Comment: Variant summary: DMXL2 c.3697C>G (p.Leu1233Val) results in a conservative amino acid change in the encoded protein sequence. Algorithms developed to predict the effect of missense changes on protein structure and function are either unavailable or do not agree on the potential impact of this missense change. The variant was absent in 251126 control chromosomes (gnomAD). The available data on variant occurrences in the general population are insufficient to allow any conclusion about variant significance. To our knowledge, no occurrence of c.3697C>G in individuals affected with DMXL2-Related Disorders and no experimental evidence demonstrating its impact on protein function have been reported. No submitters have cited clinical-significance assessments for this variant to ClinVar. Based on the evidence outlined above, the variant was classified as uncertain significance.